The following is an entry in ClinVar:

NM_001199107.2(TBC1D24):c.1427C>A (p.Ala476Asp)

Gene: TBC1D24 (TBC1 domain family member 24; plus strand). Cytogenetic location: 16p13.3.
Variant type: single nucleotide variant.
Coding change: c.1427C>A on transcript NM_001199107.2 (MANE Select); coding-DNA position 1427, C replaced by A.
Protein change: p.Ala476Asp; replaces alanine 476 with aspartic acid.
Molecular consequence: missense variant.
Genome position (GRCh38, 1-based): chr16:2,500,392, C>A. VCF-style: chr16-2500392-C-A. GRCh37 (hg19) VCF-style: chr16-2550393-C-A.
Other names: c.1409C>A, p.Ala470Asp (NM_020705.3); short protein forms A476D, A470D.
Identifiers: ClinVar variation 378706 (VCV000378706.33), dbSNP rs202216463, ClinGen allele CA7844293.

ClinVar aggregate classification (germline): Benign/Likely benign. Review status: criteria provided, multiple submitters, no conflicts (2 of 4 stars). 10 submissions from 10 submitters: Benign (4); Likely benign (5). 1 of the submissions does not count toward it. Last evaluated 2026-02-02.

Conditions:
TBC1D24-related disorder. Also called: TBC1D24-related disorders; TBC1D24-related condition. Identifiers: MedGen CN381194.
Developmental and epileptic encephalopathy, 16 (DEE16). Also called: Early infantile epileptic encephalopathy 16; TBC1D24-Related Developmental and Epileptic Encephalopathy (DEE). Identifiers: Orphanet 293181, Orphanet 352596, MedGen C3809173, MONDO:0014133, OMIM 615338.
DOORS syndrome (DOORS). Also called: DEAFNESS, ONYCHODYSTROPHY, OSTEODYSTROPHY, IMPAIRED INTELLECTUAL DEVELOPMENT, AND SEIZURES SYNDROME; Digitorenocerebral syndrome; DOORS Syndrome (Deafness, Onychodystrophy, Osteodystrophy, Mental Retardation, and Seizures); DRC SYNDROME; BRACHYDACTYLY DUE TO ABSENCE OF DISTAL PHALANGES; ERONEN SYNDROME. Identifiers: Orphanet 3231, Orphanet 79500, MedGen C0795934, MONDO:0009079, OMIM 220500. Disease mechanism: loss of function.
Rolandic epilepsy-paroxysmal exercise-induced dystonia-writer's cramp syndrome. Also called: RE-PED-WC; TBC1D24-Related Rolandic Epilepsy with Paroxysmal Exercise-Induced Dystonia and Writer's Cramp (EPRPDC). Identifiers: Orphanet 163727, MedGen C1842531, MONDO:0011970, OMIM 608105.
Familial infantile myoclonic epilepsy (FIME). Also called: TBC1D24-Related Familial Infantile Myoclonic Epilepsy (FIME); Epilepsy, Myoclonic, Infantile. Identifiers: Orphanet 352582, MedGen C0917800, MONDO:0011506, OMIM 605021.
Autosomal dominant nonsyndromic hearing loss 65. Also called: TBC1D24-Related Autosomal Dominant Nonsyndromic Hearing Loss (DFNA); Deafness, autosomal dominant 65. Identifiers: Orphanet 90635, MedGen C3892048, MONDO:0014470, OMIM 616044.
Autosomal recessive nonsyndromic hearing loss 86 (DFNB86). Also called: Deafness , autosomal recessive 86; TBC1D24-Related Autosomal Recessive Nonsyndromic Hearing Loss (DFNB). Identifiers: Orphanet 90636, MedGen C2829265, MONDO:0013826, OMIM 614617.
Inborn genetic diseases. Identifiers: MedGen C0950123, MeSH D030342.
Developmental and epileptic encephalopathy, 1 (DEE1). Also called: OHTAHARA SYNDROME, X-LINKED; X-linked infantile spasms; West's syndrome; Tonic spasms with clustering, arrest of psychomotor development and hypsarrhythmia on EEG; X-Linked Infantile Spasm Syndrome; Epileptic encephalopathy, early infantile, 1. Identifiers: MedGen C3463992, MONDO:0010632, OMIM 308350. Disease mechanism: loss of function.

Allele frequency attached by ClinVar (database versions not stated): gnomAD exomes 0.00027 and 0.00063; ExAC 0.00113; 1000 Genomes Project 30x 0.00187; 1000 Genomes Project 0.00240; gnomAD 0.00274 and 0.00304; ESP Exome Variant Server 0.00303; TOPMed 0.00306.
gnomAD v4.1: 814 of 1,604,640 alleles (0.051%); highest among the groups gnomAD compares: African/African-American, 1%; 6 homozygotes.

Submissions (10):

Labcorp Genetics (formerly Invitae), Labcorp
Classification: Benign for Developmental and epileptic encephalopathy, 1; Autosomal dominant nonsyndromic hearing loss 65. Last evaluated: 2026-02-02. Review status: criteria provided, single submitter. Criteria: Invitae Variant Classification Sherloc (09022015). Collection method: clinical testing. Allele origin: germline.

CeGaT Center for Human Genetics Tuebingen
Classification: Likely benign. Last evaluated: 2025-11-01. Review status: criteria provided, single submitter. Criteria: CeGaT Center For Human Genetics Tuebingen Variant Classification Criteria Version 2. Collection method: clinical testing. Allele origin: germline. Affected: yes. Observed: 1 variant allele.
Comment: TBC1D24: BP4, BS1

ARUP Laboratories, Molecular Genetics and Genomics, ARUP Laboratories
Classification: Likely benign. Last evaluated: 2025-03-13. Review status: criteria provided, single submitter. Criteria: ARUP Molecular Germline Variant Investigation Process 2024. Collection method: clinical testing. Allele origin: germline.

Blueprint Genetics
Classification: Likely benign. Last evaluated: 2024-10-03. Review status: criteria provided, single submitter. Criteria: ACMG Guidelines, 2015. Collection method: clinical testing. Allele origin: germline.

Fulgent Genetics
Classification: Likely benign for DOORS syndrome; Familial infantile myoclonic epilepsy; Rolandic epilepsy-paroxysmal exercise-induced dystonia-writer's cramp syndrome; Autosomal recessive nonsyndromic hearing loss 86; Developmental and epileptic encephalopathy, 16; Autosomal dominant nonsyndromic hearing loss 65. Last evaluated: 2021-08-06. Review status: criteria provided, single submitter. Criteria: ACMG Guidelines, 2015. Collection method: clinical testing. Allele origin: unknown.

GeneDx
Classification: Benign. Last evaluated: 2019-04-02. Review status: criteria provided, single submitter. Criteria: GeneDx Variant Classification Process June 2021. Collection method: clinical testing. Allele origin: germline. Affected: yes.

Center for Pediatric Genomic Medicine, Children's Mercy Hospital and Clinics
Classification: Likely benign. Last evaluated: 2017-06-12. Review status: criteria provided, single submitter. Criteria: ACMG Guidelines, 2015. Collection method: clinical testing. Allele origin: germline.

Ambry Genetics
Classification: Benign for Inborn genetic diseases. Last evaluated: 2017-02-01. Review status: criteria provided, single submitter. Criteria: Ambry Variant Classification Scheme 2023. Collection method: clinical testing. Allele origin: germline.

Laboratory for Molecular Medicine, Mass General Brigham Personalized Medicine
Classification: Benign. Last evaluated: 2014-11-24. Review status: criteria provided, single submitter. Criteria: LMM Criteria. Collection method: clinical testing. Allele origin: germline. Observed: 2 variant alleles.
Comment: Ala476Asp in exon 7 of TBC1D24: This variant is not expected to have clinical si gnificance because it has been identified in 0.9% (38/4142) of African American chromosomes from a broad population by the NHLBI Exome Sequencing Project (dbSNP rs202216463).

PreventionGenetics, part of Exact Sciences
Classification: Benign for TBC1D24-related condition. Last evaluated: 2019-06-26. Review status: no assertion criteria provided. Collection method: clinical testing. Allele origin: germline. Not counted in ClinVar's aggregate classification.
Comment: This variant is classified as benign based on ACMG/AMP sequence variant interpretation guidelines (Richards et al. 2015 PMID: 25741868, with internal and published modifications).